The following is an entry in ClinVar:

ClinVar aggregate classification (germline): Uncertain significance (1 of 4 stars; one submission).

Allele frequency attached by ClinVar (database versions not stated): gnomAD exomes below 0.00001; gnomAD 0.00001; TOPMed 0.00001.
gnomAD v4.1: 3 of 1,610,686 alleles (0.00019%); highest among the groups gnomAD compares: Non-Finnish European, 0.00017%; no homozygotes.

Submission:

Labcorp Genetics (formerly Invitae), Labcorp
Classification: Uncertain significance. Last evaluated: 2022-12-30. Review status: criteria provided, single submitter. Criteria: Invitae Variant Classification Sherloc (09022015). Collection method: clinical testing. Allele origin: germline.
Comment: This sequence change replaces aspartic acid, which is acidic and polar, with glycine, which is neutral and non-polar, at codon 3061 of the FAT2 protein (p.Asp3061Gly). This variant is present in population databases (no rsID available, gnomAD 0.0009%). This variant has not been reported in the literature in individuals affected with FAT2-related conditions. Advanced modeling of protein sequence and biophysical properties (such as structural, functional, and spatial information, amino acid conservation, physicochemical variation, residue mobility, and thermodynamic stability) performed at Invitae indicates that this missense variant is not expected to disrupt FAT2 protein function. Algorithms developed to predict the effect of sequence changes on RNA splicing suggest that this variant may disrupt the consensus splice site. In summary, the available evidence is currently insufficient to determine the role of this variant in disease. Therefore, it has been classified as a Variant of Uncertain Significance.

NM_001447.3(FAT2):c.9182A>G (p.Asp3061Gly)

Genes: FAT2 (FAT atypical cadherin 2; minus strand), SLC36A1 (solute carrier family 36 member 1; plus strand). Cytogenetic location: 5q33.1.
Variant type: single nucleotide variant.
Coding change: c.9182A>G on transcript NM_001447.3 (MANE Select); coding-DNA position 9182, A replaced by G.
Protein change: p.Asp3061Gly; replaces aspartic acid 3061 with glycine.
Molecular consequence: missense variant.
Genome position (GRCh38, 1-based): chr5:151,537,804, T>C on the plus strand (A>G on the coding strand, the complement: FAT2 is on the minus strand). VCF-style: chr5-151537804-T-C. GRCh37 (hg19) VCF-style: chr5-150917365-T-C.
Other names: short protein forms D3061G.
Identifiers: ClinVar variation 3010348 (VCV003010348.3), dbSNP rs1034941634, ClinGen allele CA129950688.